The following is an entry in ClinVar:

ClinVar aggregate classification (germline): Uncertain significance. Review status: criteria provided, multiple submitters, no conflicts (2 of 4 stars). 3 submissions from 3 submitters: Uncertain significance (3). Last evaluated 2025-03-09.

Conditions:
Familial cancer of breast. Also called: BREAST CANCER, FAMILIAL; Hereditary breast cancer; hereditary breast carcinoma. Identifiers: Orphanet 227535, MedGen C0346153, MONDO:0016419, OMIM 114480. Disease mechanism: loss of function.
Hereditary cancer-predisposing syndrome. Also called: Neoplastic Syndromes, Hereditary; Tumor predisposition; Hereditary Cancer Syndrome; Hereditary neoplastic syndrome. Identifiers: Orphanet 140162, MedGen C0027672, MeSH D009386, MONDO:0015356.
CHEK2-related cancer predisposition (TPDS4). Also called: TUMOR PREDISPOSITION SYNDROME 4; CANCER PREDISPOSITION SYNDROME, CHEK2-RELATED; CHEK2-related cancer susceptibility. Identifiers: Orphanet 524, MedGen C5882668, MONDO:0700271, OMIM 609265.

gnomAD v4.1: 1 of 1,613,462 alleles (0.000062%); highest among the groups gnomAD compares: South Asian, 0.0011%; no homozygotes.

Submissions (3):

Labcorp Genetics (formerly Invitae), Labcorp
Classification: Uncertain significance for Familial cancer of breast. Last evaluated: 2025-03-09. Review status: criteria provided, single submitter. Criteria: Invitae Variant Classification Sherloc (09022015). Collection method: clinical testing. Allele origin: germline.
Comment: This sequence change replaces methionine, which is neutral and non-polar, with valine, which is neutral and non-polar, at codon 331 of the CHEK2 protein (p.Met331Val). This variant is not present in population databases (gnomAD no frequency). This variant has not been reported in the literature in individuals affected with CHEK2-related conditions. ClinVar contains an entry for this variant (Variation ID: 483395). An algorithm developed to predict the effect of missense changes on protein structure and function (PolyPhen-2) suggests that this variant is likely to be disruptive. In summary, the available evidence is currently insufficient to determine the role of this variant in disease. Therefore, it has been classified as a Variant of Uncertain Significance.

Ambry Genetics
Classification: Uncertain significance for Hereditary cancer-predisposing syndrome. Last evaluated: 2025-01-14. Review status: criteria provided, single submitter. Criteria: Ambry Variant Classification Scheme 2023. Collection method: clinical testing. Allele origin: germline.
Comment: The p.M331V variant (also known as c.991A>G), located in coding exon 8 of the CHEK2 gene, results from an A to G substitution at nucleotide position 991. The methionine at codon 331 is replaced by valine, an amino acid with highly similar properties. This amino acid position is highly conserved in available vertebrate species. In addition, the in silico prediction for this alteration is inconclusive. Since supporting evidence is limited at this time, the clinical significance of this alteration remains unclear.

Department of Pathology and Laboratory Medicine, Sinai Health System
Classification: Uncertain significance for CHEK2-related cancer predisposition. Last evaluated: 2024-07-03. Review status: criteria provided, single submitter. Criteria: ACMG Guidelines, 2015. Collection method: clinical testing. Allele origin: germline. Affected: yes.

NM_007194.4(CHEK2):c.991A>G (p.Met331Val)

Gene: CHEK2 (checkpoint kinase 2; minus strand). Cytogenetic location: 22q12.1.
Variant type: single nucleotide variant.
Coding change: c.991A>G on transcript NM_007194.4 (MANE Select); coding-DNA position 991, A replaced by G.
Protein change: p.Met331Val; replaces methionine 331 with valine.
Molecular consequence: missense variant.
Genome position (GRCh38, 1-based): chr22:28,699,855, T>C on the plus strand (A>G on the coding strand, the complement: CHEK2 is on the minus strand). VCF-style: chr22-28699855-T-C. GRCh37 (hg19) VCF-style: chr22-29095843-T-C.
Other names: c.1120A>G, p.Met374Val (NM_001005735.3); c.328A>G, p.Met110Val (NM_001257387.3); c.790A>G, p.Met264Val (NM_001349956.3); c.991A>G, p.Met331Val (NM_145862.3); short protein forms M331V, M374V, M264V, M110V.
Identifiers: ClinVar variation 483395 (VCV000483395.9), dbSNP rs1555915357, ClinGen allele CA411099453.